The following is an entry in ClinVar:

ClinVar aggregate classification (germline): Pathogenic (1 of 4 stars; one submission).

Conditions:
SIN3A-related intellectual disability syndrome due to a point mutation. Also called: 15q24 Microdeletion Syndrome; WITTEVEEN-KOLK SYNDROME. Identifiers: Orphanet 500166, Orphanet 94065, MedGen C4310804, MONDO:0044700, OMIM 613406.

Submission:

MGZ Medical Genetics Center
Classification: Pathogenic for SIN3A-related intellectual disability syndrome due to a point mutation. Last evaluated: 2022-08-29. Review status: criteria provided, single submitter. Criteria: ACMG Guidelines, 2015. Collection method: clinical testing. Allele origin: germline. Affected: yes. Observed: 1 variant allele.
Comment: ACMG criteria applied: PVS1, PS2_SUP, PM2_SUP, PP2

NM_001145358.2(SIN3A):c.172_173del (p.Val58fs)

Gene: SIN3A (SIN3 transcription regulator family member A; minus strand). Cytogenetic location: 15q24.2.
Variant type: Deletion.
Coding change: c.172_173del on transcript NM_001145358.2 (MANE Select); coding-DNA positions 172 to 173, 2 bases deleted (GT; older notation c.172_173delGT).
Protein change: p.Val58fs; shifts the reading frame from valine 58.
Molecular consequence: frameshift variant.
Genome position (GRCh38, 1-based): chr15:75,430,203-75,430,204, AC deleted on the plus strand (GT on the coding strand, the reverse complement: SIN3A is on the minus strand); deleting any 2 consecutive bases within chr15:75,430,203-75,430,205 gives the same sequence; the c. name uses the placement nearest the transcript's 3' end. VCF-style (leftmost placement, unchanged base first): chr15-75430202-TAC-T. GRCh37 (hg19) VCF-style: chr15-75722543-TAC-T.
Other names: c.172_173del, p.Val58fs (NM_001145357.2, NM_015477.3); short protein forms V58fs.
Identifiers: ClinVar variation 1709753 (VCV001709753.1), dbSNP rs2542787952, ClinGen allele CA2580089993.